The following is an entry in ClinVar:

NM_001367873.1(SOX6):c.718C>T (p.Gln240Ter)

Gene: SOX6 (SRY-box transcription factor 6; minus strand). Cytogenetic location: 11p15.2.
Variant type: single nucleotide variant.
Coding change: c.718C>T on transcript NM_001367873.1 (MANE Select); coding-DNA position 718, C replaced by T.
Protein change: p.Gln240Ter; replaces glutamine 240 with a stop codon.
Molecular consequence: nonsense.
Genome position (GRCh38, 1-based): chr11:16,183,945, G>A on the plus strand (C>T on the coding strand, the complement: SOX6 is on the minus strand). VCF-style: chr11-16183945-G-A. GRCh37 (hg19) VCF-style: chr11-16205491-G-A.
Other names: c.718C>T, p.Gln240Ter (NM_001145811.2, NM_001145819.2, NM_001367872.1 and 2 more transcripts); short protein forms Q240*.
Identifiers: ClinVar variation 503665 (VCV000503665.5), dbSNP rs1554941241, ClinGen allele CA379877649.

ClinVar aggregate classification (germline): Pathogenic. Review status: criteria provided, single submitter (1 of 4 stars). 2 submissions from 2 submitters: Pathogenic (1). 1 of the submissions does not count toward it. Last evaluated 2022-01-14.

Conditions:
Tolchin-Le Caignec syndrome. Also called: INTELLECTUAL DEVELOPMENTAL DISORDER WITH BEHAVIORAL ABNORMALITIES AND VARIABLE BONE DEFECTS. Identifiers: MedGen C5436509, MONDO:0033544, OMIM 618971.

Submissions (2):

GeneDx
Classification: Pathogenic. Last evaluated: 2022-01-14. Review status: criteria provided, single submitter. Criteria: GeneDx Variant Classification Process June 2021. Collection method: clinical testing. Allele origin: germline. Affected: yes.
Comment: Nonsense variant predicted to result in protein truncation or nonsense mediated decay in a gene for which loss-of-function is a known mechanism of disease; Not observed at significant frequency in large population cohorts (gnomAD); This variant is associated with the following publications: (PMID: 32442410)

OMIM
Classification: Pathogenic for TOLCHIN-LE CAIGNEC SYNDROME. Last evaluated: 2020-08-05. Review status: no assertion criteria provided. Collection method: literature only. Allele origin: germline. Not counted in ClinVar's aggregate classification.

Literature cited by the submitters: PubMed 32442410 (cited by OMIM).